The following is an entry in ClinVar:

NM_020297.4(ABCC9):c.883C>T (p.Arg295Ter)

Gene: ABCC9 (ATP binding cassette subfamily C member 9; minus strand). Cytogenetic location: 12p12.1.
Variant type: single nucleotide variant.
Coding change: c.883C>T on transcript NM_020297.4 (MANE Select); coding-DNA position 883, C replaced by T.
Protein change: p.Arg295Ter; replaces arginine 295 with a stop codon.
Molecular consequence: nonsense.
Genome position (GRCh38, 1-based): chr12:21,913,000, G>A on the plus strand (C>T on the coding strand, the complement: ABCC9 is on the minus strand). VCF-style: chr12-21913000-G-A. GRCh37 (hg19) VCF-style: chr12-22065934-G-A.
Other names: c.883C>T, p.Arg295Ter (NM_001377273.1, NM_005691.4); c.19C>T, p.Arg7Ter (NM_001377274.1); c.883C>T (NM_020297.2, NM_005691.3); short protein forms R295*, R7*.
Identifiers: ClinVar variation 1059237 (VCV001059237.9), dbSNP rs1411357079, ClinGen allele CA384121547.
Genomic context (GRCh38, chr12:21,913,000, plus strand): 5'-GTCCAGCAAAACCCAGTAAATCAGCCAGATAGCGGAATGTGCTACTAAGTAGAATTGGTC[G>A]CCCAAAAGCTCTGTACATTGCAAGCCATATAGATGGAGTCCGATTTGGATGATCTGCAAC-3'

ClinVar aggregate classification (germline): Conflicting classifications of pathogenicity. Review status: criteria provided, conflicting classifications (1 of 4 stars). 3 submissions from 3 submitters: Pathogenic (1); Uncertain significance (2). Last evaluated 2026-01-26.

Conditions:
Dilated cardiomyopathy 1O (CMD1O). Also called: CARDIOMYOPATHY, DILATED, WITH VENTRICULAR TACHYCARDIA. Identifiers: Orphanet 154, MedGen C1837839, MONDO:0012062, OMIM 608569.

Allele frequency attached by ClinVar (database versions not stated): TOPMed below 0.00001; gnomAD 0.00001; gnomAD exomes 0.00001.

Submissions (3):

Labcorp Genetics (formerly Invitae), Labcorp
Classification: Pathogenic for Dilated cardiomyopathy 1O. Last evaluated: 2026-01-26. Review status: criteria provided, single submitter. Criteria: Invitae Variant Classification Sherloc (09022015). Collection method: clinical testing. Allele origin: germline.
Comment: This sequence change creates a premature translational stop signal (p.Arg295*) in the ABCC9 gene. It is expected to result in an absent or disrupted protein product. Loss-of-function variants in ABCC9 are known to be pathogenic (PMID: 31575858, 38217872). This variant is not present in population databases (gnomAD no frequency). This variant has not been reported in the literature in individuals affected with ABCC9-related conditions. ClinVar contains an entry for this variant (Variation ID: 1059237). For these reasons, this variant has been classified as Pathogenic.

GeneDx
Classification: Uncertain significance. Last evaluated: 2024-11-26. Review status: criteria provided, single submitter. Criteria: GeneDx Variant Classification Process June 2021. Collection method: clinical testing. Allele origin: germline. Affected: yes.
Comment: Nonsense variant predicted to result in protein truncation or nonsense mediated decay in a gene or region of a gene for which loss of function is not a well-established mechanism of disease; Has not been previously published as pathogenic or benign to our knowledge; Not observed at significant frequency in large population cohorts (gnomAD)

Clinical Genetics Laboratory, Skane University Hospital Lund
Classification: Uncertain significance. Last evaluated: 2022-05-27. Review status: criteria provided, single submitter. Criteria: ACMG Guidelines, 2015. Collection method: clinical testing. Allele origin: germline. Affected: yes.

Literature cited by the submitters: PubMed 31575858 (cited by Labcorp Genetics (formerly Invitae), Labcorp); PubMed 38217872 (cited by Labcorp Genetics (formerly Invitae), Labcorp).